The following is an entry in ClinVar:

ClinVar aggregate classification (germline): Conflicting classifications of pathogenicity. Review status: criteria provided, conflicting classifications (1 of 4 stars). 12 submissions from 12 submitters: Uncertain significance (9); Likely benign (1). 2 of the submissions do not count toward it. Last evaluated 2026-01-18.

Conditions:
Classic or attenuated familial adenomatous polyposis. Identifiers: MedGen CN372698, MONDO:0021057.
APC-related disorder. Also called: APC-related condition.
Hereditary cancer-predisposing syndrome. Also called: Neoplastic Syndromes, Hereditary; Tumor predisposition; Hereditary neoplastic syndrome; Hereditary Cancer Syndrome. Identifiers: Orphanet 140162, MedGen C0027672, MeSH D009386, MONDO:0015356.
Familial adenomatous polyposis 1 (FAP1). Also called: FAMILIAL ADENOMATOUS POLYPOSIS 1, ATTENUATED; POLYPOSIS, ADENOMATOUS INTESTINAL. Identifiers: MedGen C2713442, MONDO:0021056, OMIM 175100. Disease mechanism: loss of function.

Allele frequency attached by ClinVar (database versions not stated): ExAC 0.00001; gnomAD exomes 0.00001 and 0.00002; TOPMed 0.00003; gnomAD 0.00004.
gnomAD v4.1: 32 of 1,613,862 alleles (0.002%); highest among the groups gnomAD compares: Non-Finnish European, 0.0025%; no homozygotes.

Submissions (12):

Labcorp Genetics (formerly Invitae), Labcorp
Classification: Uncertain significance for Familial adenomatous polyposis 1. Last evaluated: 2026-01-18. Review status: criteria provided, single submitter. Criteria: Invitae Variant Classification Sherloc (09022015). Collection method: clinical testing. Allele origin: germline.
Comment: This sequence change replaces histidine, which is basic and polar, with aspartic acid, which is acidic and polar, at codon 2232 of the APC protein (p.His2232Asp). This variant is present in population databases (rs730881256, gnomAD 0.007%). This missense change has been observed in individual(s) with colorectal adenomas (PMID: 18199528). ClinVar contains an entry for this variant (Variation ID: 181815). Invitae Evidence Modeling of protein sequence and biophysical properties (such as structural, functional, and spatial information, amino acid conservation, physicochemical variation, residue mobility, and thermodynamic stability) indicates that this missense variant is not expected to disrupt APC protein function with a negative predictive value of 95%. In summary, the available evidence is currently insufficient to determine the role of this variant in disease. Therefore, it has been classified as a Variant of Uncertain Significance.

Quest Diagnostics Nichols Institute San Juan Capistrano
Classification: Uncertain significance. Last evaluated: 2025-06-03. Review status: criteria provided, single submitter. Criteria: Quest Diagnostics criteria. Collection method: clinical testing. Allele origin: unknown.
Comment: The APC c.6694C>G (p.His2232Asp) variant has been reported in the published literature in individuals with colorectal adenoma/cancer (PMID: 18199528 (2008), 35260767 (2022)), prostate cancer (PMID: 28259476 (2017)) and a reportedly unaffected individual (PMID: 35260767 (2022)). The frequency of this variant in the general population (Genome Aggregation Database) is uninformative in the assessment of its pathogenicity. Analysis of this variant using bioinformatics tools for the prediction of the effect of amino acid changes on protein structure and function yielded predictions that this variant is damaging. Based on the available information, we are unable to determine the clinical significance of this variant.

PreventionGenetics, part of Exact Sciences
Classification: Uncertain significance for APC-related condition. Last evaluated: 2024-11-15. Review status: criteria provided, single submitter. Criteria: ACMG Guidelines, 2015. Collection method: clinical testing. Allele origin: germline.
Comment: The APC c.6694C>G variant is predicted to result in the amino acid substitution p.His2232Asp. This variant was reported in an individual with non-familial, non-MUTYH-associated colorectal adenoma (Table 1, Azzopardi et al. 2008. PubMed ID: 18199528) and in an individual with colorectal adenoma (Table S1, Minde et al. 2011. PubMed ID: 21859464). This variant is reported in 0.0041% of alleles in individuals of African descent in gnomAD and has been reported as a variant of uncertain significance by the vast majority of submitters in ClinVar. At this time, the clinical significance of this variant is uncertain due to the absence of conclusive functional and genetic evidence.

Color Diagnostics, LLC DBA Color Health
Classification: Uncertain significance for Hereditary cancer-predisposing syndrome. Last evaluated: 2024-07-26. Review status: criteria provided, single submitter. Criteria: ACMG Guidelines, 2015. Collection method: clinical testing. Allele origin: germline.
Comment: This missense variant replaces histidine with aspartic acid at codon 2232 of the APC protein. Computational prediction is inconclusive regarding the impact of this variant on protein structure and function (internally defined REVEL score threshold 0.5 < inconclusive < 0.7, PMID: 27666373). To our knowledge, functional studies have not been reported for this variant. This variant has been reported in an individual affected with 11 to 99 colorectal adenomas (PMID: 18199528). This variant has also been reported in a young individual affected with synchronous bifocal colorectal adenocarcinoma, however, this individual also carried pathogenic variants in PMS2 and POLE (PMID: 35260767). This variant has been identified in 4/281720 chromosomes in the general population by the Genome Aggregation Database (gnomAD). The available evidence is insufficient to determine the role of this variant in disease conclusively. Therefore, this variant is classified as a Variant of Uncertain Significance.

GeneDx
Classification: Uncertain significance. Last evaluated: 2024-05-30. Review status: criteria provided, single submitter. Criteria: GeneDx Variant Classification Process June 2021. Collection method: clinical testing. Allele origin: germline. Affected: yes.
Comment: Not observed at significant frequency in large population cohorts (gnomAD); In silico analysis supports that this missense variant has a deleterious effect on protein structure/function; This variant is associated with the following publications: (PMID: 21859464, 18199528, 35260767)

Women's Health and Genetics/Laboratory Corporation of America, LabCorp
Classification: Uncertain significance. Last evaluated: 2024-05-09. Review status: criteria provided, single submitter. Criteria: LabCorp Variant Classification Summary - May 2015. Collection method: clinical testing. Allele origin: germline.
Comment: Variant summary: APC c.6694C>G (p.His2232Asp) results in a non-conservative amino acid change located in the adenomatous polyposis coli protein basic domain (IPR009234) of the encoded protein sequence. Five of five in-silico tools predict a damaging effect of the variant on protein function. The variant allele was found at a frequency of 1.2e-05 in 250334 control chromosomes. The available data on variant occurrences in the general population are insufficient to allow any conclusion about variant significance. c.6694C>G has been reported in the literature in an individual affected with multiple colorectal adenomas and in an individual with a synchronous bifocal colorectal adenocarcinoma but who also had a co-occurring pathogenic variant in PMS2 and a suspected pathogenic POLE variant (e.g. Azzopardi_2008, Berrino_2022). These reports do not provide unequivocal conclusions about association of the variant with Familial Adenomatous Polyposis. To our knowledge, no experimental evidence demonstrating an impact on protein function has been reported. The following publications have been ascertained in the context of this evaluation (PMID: 18199528, 35260767). ClinVar contains an entry for this variant (Variation ID: 181815). Based on the evidence outlined above, the variant was classified as uncertain significance.

All of Us Research Program, National Institutes of Health
Classification: Uncertain significance for Classic or attenuated familial adenomatous polyposis. Last evaluated: 2024-01-11. Review status: criteria provided, single submitter. Criteria: ACMG Guidelines, 2015. Collection method: clinical testing. Allele origin: germline. Inheritance: Autosomal dominant inheritance. Observed: 8 variant alleles, 8 heterozygotes.
Comment: This missense variant replaces histidine with aspartic acid at codon 2232 of the APC protein. Computational prediction is inconclusive regarding the impact of this variant on protein structure and function (internally defined REVEL score threshold 0.5 < inconclusive < 0.7, PMID: 27666373). To our knowledge, functional studies have not been reported for this variant. This variant has been reported in an individual affected with 11 to 99 colorectal adenomas (PMID: 18199528). This variant has also been reported in a young individual affected with synchronous bifocal colorectal adenocarcinoma, however, this individual also carried pathogenic variants in PMS2 and POLE (PMID: 35260767). This variant has been identified in 4/281720 chromosomes in the general population by the Genome Aggregation Database (gnomAD). The available evidence is insufficient to determine the role of this variant in disease conclusively. Therefore, this variant is classified as a Variant of Uncertain Significance.

This study involves interpretation of variants in research participants for the purpose of population health screening. Participant phenotype was not available at the time of variant classification. Additional details can be found in publication PMID: 35346344, PMCID: PMC8962531

Ambry Genetics
Classification: Likely benign for Hereditary cancer-predisposing syndrome. Last evaluated: 2023-06-22. Review status: criteria provided, single submitter. Criteria: Ambry Variant Classification Scheme 2023. Collection method: clinical testing. Allele origin: germline.

Myriad Genetics, Inc.
Classification: Uncertain significance for Familial adenomatous polyposis 1. Last evaluated: 2023-02-17. Review status: criteria provided, single submitter. Criteria: Myriad Autosomal Dominant, Autosomal Recessive and X-Linked Classification Criteria (2023). Collection method: clinical testing. Allele origin: unknown.
Comment: This variant is classified as a variant of uncertain significance as there is insufficient evidence to determine its impact on protein function and/or cancer risk.

Sema4
Classification: Uncertain significance for Hereditary cancer-predisposing syndrome. Last evaluated: 2022-03-03. Review status: criteria provided, single submitter. Criteria: Sema4 Curation Guidelines. Collection method: curation. Allele origin: germline.
Comment: The APC c.6694C>G (p.H2232D) variant has been reported in heterozygosity in at least one individual with colorectal adenomas (PMID: 18199528). It was observed in 1/24482 chromosomes of the African/African American subpopulation in the large and broad cohorts of the Genome Aggregation Database (PMID: 32461654). The variant has been reported in ClinVar (Variation ID 181815). Functional studies have not been performed, and in silico predictions of the variant's effect on protein function are inconclusive. The evidence is insufficient to meet ACMG/AMP criteria for classifying the variant as benign or pathogenic. Thus, the clinical significance of this variant is currently uncertain.

Counsyl
Classification: Uncertain significance for Familial adenomatous polyposis 1. Last evaluated: 2016-10-27. Review status: no assertion criteria provided. Collection method: clinical testing. Allele origin: unknown. Not counted in ClinVar's aggregate classification.

Department of Pathology and Laboratory Medicine, Sinai Health System
Classification: Uncertain significance. Review status: no assertion criteria provided. Collection method: clinical testing. Allele origin: unknown. Affected: yes. Study: The Canadian Open Genetics Repository (COGR). Not counted in ClinVar's aggregate classification.

Literature cited by the submitters: PubMed 18199528 (cited by 8 submitters); PubMed 21859464 (cited by Quest Diagnostics Nichols Institute San Juan Capistrano); PubMed 35260767 (cited by 4 submitters); PubMed 28259476 (cited by Quest Diagnostics Nichols Institute San Juan Capistrano).

NM_000038.6(APC):c.6694C>G (p.His2232Asp)

Gene: APC (APC regulator of Wnt signaling pathway; plus strand). Cytogenetic location: 5q22.2.
Variant type: single nucleotide variant.
Coding change: c.6694C>G on transcript NM_000038.6 (MANE Select); coding-DNA position 6694, C replaced by G.
Protein change: p.His2232Asp; replaces histidine 2232 with aspartic acid.
Molecular consequence: missense variant.
Genome position (GRCh38, 1-based): chr5:112,842,288, C>G. VCF-style: chr5-112842288-C-G. GRCh37 (hg19) VCF-style: chr5-112177985-C-G.
Other names: p.H2232D:CAT>GAT; c.6694C>G, p.His2232Asp (NM_001127510.3, NM_001354895.2); c.6640C>G, p.His2214Asp (NM_001127511.3); c.6748C>G, p.His2250Asp (NM_001354896.2); c.6724C>G, p.His2242Asp (NM_001354897.2); c.6619C>G, p.His2207Asp (NM_001354898.2); c.6610C>G, p.His2204Asp (NM_001354899.2); c.6571C>G, p.His2191Asp (NM_001354900.2); and 6 more; short protein forms H2214D, H2232D, H2106D, H2191D, H2207D, H2250D, H2131D, H2242D.
Identifiers: ClinVar variation 181815 (VCV000181815.38), dbSNP rs730881256, ClinGen allele CA012407.
Genomic context (GRCh38, chr5:112,842,288, plus strand): 5'-CAAATGAAACAGCCCCTTCAAGCAAACATGCCTTCAATCTCTCGAGGCAGGACAATGATT[C>G]ATATTCCAGGAGTTCGAAATAGCTCCTCAAGTACAAGTCCTGTTTCTAAAAAAGGCCCAC-3'
Protein context (NP_000029.2, residues 2222-2242): PSISRGRTMI[His2232Asp]IPGVRNSSSS